The following is an entry in ClinVar:

NC_000009.11:g.(?_21994128)_(21994330_?)del

Gene: CDKN2A (cyclin dependent kinase inhibitor 2A; minus strand). Cytogenetic location: 9p21.3.
Variant type: Deletion.
Identifiers: ClinVar variation 1076895 (VCV001076895.2).

ClinVar aggregate classification (germline): Pathogenic (1 of 4 stars; one submission).

Conditions:
Familial melanoma. Also called: Hereditary melanoma; Hereditary cutaneous melanoma. Identifiers: Orphanet 618, MedGen C1512419, MONDO:0018961.

Submission:

Labcorp Genetics (formerly Invitae), Labcorp
Classification: Pathogenic for Familial melanoma. Last evaluated: 2021-12-16. Review status: criteria provided, single submitter. Criteria: Invitae Variant Classification Sherloc (09022015). Collection method: clinical testing. Allele origin: germline.
Comment: This variant is a gross deletion of the genomic region encompassing exon(s) 1 of the CDKN2A (p14ARF) gene, which includes the initiator codon. This deletion extends beyond the assayed region for this gene and therefore may encompass additional genes. It is expected to result in an absent or disrupted protein product. Loss-of-function variants in CDKN2A (p14ARF) are known to be pathogenic (PMID: 11571653, 15856016, 17440112). A similar copy number variant has been observed in individual(s) with melanoma and nervous system tumors (PMID: 11136714, 15937071, 16032697). It has also been observed to segregate with disease in related individuals. For these reasons, this variant has been classified as Pathogenic.

Literature cited by the submitters: PubMed 11571653; PubMed 15856016; PubMed 17440112; PubMed 11136714; PubMed 15937071; PubMed 16032697.